The following is an entry in ClinVar:

ClinVar aggregate classification (germline): Pathogenic/Likely pathogenic. Review status: criteria provided, multiple submitters, no conflicts (2 of 4 stars). 3 submissions from 3 submitters: Pathogenic (1); Likely pathogenic (2). Last evaluated 2025-12-09.

Conditions:
Cardiovascular phenotype. Identifiers: MedGen CN230736.
Dilated cardiomyopathy 1G (CMD1G). Identifiers: Orphanet 154, MedGen C1858763, MONDO:0011400, OMIM 604145.
Autosomal recessive limb-girdle muscular dystrophy type 2J (LGMDR10). Also called: Limb-girdle muscular dystrophy, type 2J; MUSCULAR DYSTROPHY, LIMB-GIRDLE, AUTOSOMAL RECESSIVE 10. Identifiers: Orphanet 140922, MedGen C1837342, MONDO:0012127, OMIM 608807.
TTN-related disorder. Also called: TTN-related disorders; TTN-related condition; TTN-related disease.

Submissions (3):

Ambry Genetics
Classification: Likely pathogenic for Cardiovascular phenotype. Last evaluated: 2025-12-09. Review status: criteria provided, single submitter. Criteria: Ambry Variant Classification Scheme 2023. Collection method: clinical testing. Allele origin: germline.
Comment: The c.44281delG variant, located in coding exon 153 of the TTN gene, results from a deletion of one nucleotide at nucleotide position 44281, causing a translational frameshift with a predicted alternate stop codon (p.V14761Ffs*10). This exon is located in the A-band region of the N2-B isoform of the titin protein and is constitutively expressed in TTN transcripts (percent spliced in or PSI 100%). This variant was reported in individual(s) with features consistent with dilated cardiomyopathy( Ambry internal data). This variant is considered to be rare based on population cohorts in the Genome Aggregation Database (gnomAD). This variant is expected to result in loss of function by premature protein truncation or nonsense-mediated mRNA decay. While truncating variants in TTN are present in 1-3% of the general population, truncating variants in the A-band are the most common cause of dilated cardiomyopathy (Herman DS et al. N. Engl. J. Med., 2012 Feb;366:619-28; Roberts AM et al. Sci Transl Med, 2015 Jan;7:270ra6). TTN truncating variants encoded in constitutive exons (PSI >90%) have been found to be significantly associated with DCM regardless of their position in titin (Schafer S et al. Nat. Genet., 2017 01;49:46-53; Akhtar MM et al. Circ Heart Fail, 2020 Oct;13:e006832; Massier M et al. Clin Genet, 2025 Jan). Based on the majority of available evidence to date, this variant is likely to be pathogenic.

Labcorp Genetics (formerly Invitae), Labcorp
Classification: Pathogenic for Dilated cardiomyopathy 1G; Autosomal recessive limb-girdle muscular dystrophy type 2J. Last evaluated: 2025-07-07. Review status: criteria provided, single submitter. Criteria: Invitae Variant Classification Sherloc (09022015). Collection method: clinical testing. Allele origin: germline.
Comment: This sequence change creates a premature translational stop signal (p.Val23826Phefs*10) in the TTN gene. While this is not anticipated to result in nonsense mediated decay, it is expected to create a truncated TTN protein. This variant is not present in population databases (gnomAD no frequency). This premature translational stop signal has been observed in individuals with dilated cardiomyopathy (internal data). ClinVar contains an entry for this variant (Variation ID: 2949258). This variant is located in the A band of TTN (PMID: 25589632). Truncating variants in this region are significantly overrepresented in patients affected with dilated cardiomyopathy (PMID: 25589632). Truncating variants in this region have also been reported in individuals affected with autosomal recessive centronuclear myopathy (PMID: 23975875). For these reasons, this variant has been classified as Pathogenic.

Blueprint Genetics
Classification: Likely pathogenic for TTN-related disorders. Last evaluated: 2022-02-24. Review status: criteria provided, single submitter. Criteria: ACMG Guidelines, 2015. Collection method: clinical testing. Allele origin: germline. Affected: yes. Observed: 1 variant allele.

Literature cited by the submitters: PubMed 25589632 (cited by Labcorp Genetics (formerly Invitae), Labcorp); PubMed 23975875 (cited by Labcorp Genetics (formerly Invitae), Labcorp).

NM_001267550.2(TTN):c.71476del (p.Val23826fs)

Genes: TTN (titin; minus strand), TTN-AS1 (TTN antisense RNA 1; plus strand). Cytogenetic location: 2q31.2.
Variant type: Deletion.
Coding change: c.71476del on transcript NM_001267550.2 (MANE Select); coding-DNA position 71476, one base deleted (G; older notation c.71476delG).
Protein change: p.Val23826fs; shifts the reading frame from valine 23826.
Molecular consequence: frameshift variant.
Genome position (GRCh38, 1-based): chr2:178,574,656, C deleted on the plus strand (G on the coding strand, the reverse complement: TTN is on the minus strand); the first of 2 consecutive C bases (chr2:178,574,656-178,574,657); deleting either gives the same sequence. VCF-style (leftmost placement, unchanged base first): chr2-178574655-AC-A. GRCh37 (hg19) VCF-style: chr2-179439382-AC-A.
Other names: c.44281delG (NM_003319.4); c.66553del, p.Val22185fs (NM_001256850.1); c.44281del, p.Val14761fs (NM_003319.4); c.63772del, p.Val21258fs (NM_133378.4); c.44656del, p.Val14886fs (NM_133432.3); c.44857del, p.Val14953fs (NM_133437.4); short protein forms V21258fs, V14761fs, V14886fs, V22185fs, V14953fs, V23826fs.
Identifiers: ClinVar variation 2949258 (VCV002949258.5), dbSNP rs2468639966, ClinGen allele CA2740096023.